The following is an entry in ClinVar:

ClinVar aggregate classification (germline): Likely benign. Review status: criteria provided, multiple submitters, no conflicts (2 of 4 stars). 4 submissions from 4 submitters: Likely benign (4). Last evaluated 2024-12-20.

Conditions:
KYNU-related disorder. Also called: KYNU-related disorders; KYNU-related condition.

Allele frequency attached by ClinVar (database versions not stated): 1000 Genomes Project 0.00100; 1000 Genomes Project 30x 0.00109; gnomAD 0.00125 and 0.00126; TOPMed 0.00127; ExAC 0.00134; gnomAD exomes 0.00148 and 0.00194; ESP Exome Variant Server 0.00192.
gnomAD v4.1: 2,823 of 1,505,162 alleles (0.19%); highest among the groups gnomAD compares: Middle Eastern, 0.22%; 12 homozygotes.

Submissions (4):

PreventionGenetics, part of Exact Sciences
Classification: Likely benign for KYNU-related condition. Last evaluated: 2024-12-20. Review status: criteria provided, single submitter. Criteria: ACMG Guidelines, 2015. Collection method: clinical testing. Allele origin: germline.
Comment: This variant is classified as likely benign based on ACMG/AMP sequence variant interpretation guidelines (Richards et al. 2015 PMID: 25741868, with internal and published modifications).

Blueprint Genetics
Classification: Likely benign. Last evaluated: 2024-10-24. Review status: criteria provided, single submitter. Criteria: ACMG Guidelines, 2015. Collection method: clinical testing. Allele origin: germline.

Labcorp Genetics (formerly Invitae), Labcorp
Classification: Likely benign. Last evaluated: 2019-12-31. Review status: criteria provided, single submitter. Criteria: Invitae Variant Classification Sherloc (09022015). Collection method: clinical testing. Allele origin: germline.

Breakthrough Genomics
Classification: Likely benign. Review status: criteria provided, single submitter. Criteria: ACMG Guidelines, 2015. Collection method: not provided. Allele origin: germline. Inheritance: Autosomal recessive inheritance. Affected: yes.

NM_003937.3(KYNU):c.828+9G>A

Gene: KYNU (kynureninase; plus strand). Cytogenetic location: 2q22.2.
Variant type: single nucleotide variant.
Coding change: c.828+9G>A on transcript NM_003937.3 (MANE Select); 9 bases into the intron after coding-DNA position 828, G replaced by A.
Molecular consequence: intron variant.
Genome position (GRCh38, 1-based): chr2:142,985,191, G>A. VCF-style: chr2-142985191-G-A. GRCh37 (hg19) VCF-style: chr2-143742760-G-A.
Other names: c.828+9G>A (NM_001199241.2, NM_001032998.2).
Identifiers: ClinVar variation 791085 (VCV000791085.7), dbSNP rs191359593, ClinGen allele CA1896850.